The following is an entry in ClinVar:

ClinVar aggregate classification (germline): Uncertain significance (1 of 4 stars; one submission).

gnomAD v4.1: 7 of 1,613,852 alleles (0.00043%); highest among the groups gnomAD compares: Admixed American, 0.0017%; no homozygotes.

Submission:

Labcorp Genetics (formerly Invitae), Labcorp
Classification: Uncertain significance. Last evaluated: 2025-04-19. Review status: criteria provided, single submitter. Criteria: Invitae Variant Classification Sherloc (09022015). Collection method: clinical testing. Allele origin: germline.
Comment: The TCF3 gene has multiple clinically relevant transcripts. This variant occurs in alternate transcript NM_001136139.3, and corresponds to NM_003200.4:c.1823-492G>A in the primary transcript. This sequence change replaces arginine, which is basic and polar, with glutamine, which is neutral and polar, at codon 560 of the TCF3 protein (p.Arg560Gln). This variant is present in population databases (no rsID available, gnomAD 0.002%). This variant has not been reported in the literature in individuals affected with TCF3-related conditions. ClinVar contains an entry for this variant (Variation ID: 3696165). Algorithms developed to predict the effect of sequence changes on RNA splicing suggest that this variant is not likely to affect RNA splicing. In summary, the available evidence is currently insufficient to determine the role of this variant in disease. Therefore, it has been classified as a Variant of Uncertain Significance.

NM_001136139.4(TCF3):c.1679G>A (p.Arg560Gln)

Gene: TCF3 (transcription factor 3; minus strand). Cytogenetic location: 19p13.3.
Variant type: single nucleotide variant.
Coding change: c.1679G>A on transcript NM_001136139.4 (MANE Plus Clinical); coding-DNA position 1679, G replaced by A.
Protein change: p.Arg560Gln; replaces arginine 560 with glutamine.
Molecular consequence: missense variant. On other transcripts: intron variant (2).
Genome position (GRCh38, 1-based): chr19:1,612,341, C>T on the plus strand (G>A on the coding strand, the complement: TCF3 is on the minus strand). VCF-style: chr19-1612341-C-T. GRCh37 (hg19) VCF-style: chr19-1612340-C-T.
Other names: c.1679G>A, p.Arg560Gln (NM_001351779.2); c.1820-492G>A (NM_001351778.2); c.1823-492G>A (NM_003200.5); short protein forms R560Q.
Identifiers: ClinVar variation 3696165 (VCV003696165.2).
Genomic context (GRCh38, chr19:1,612,341, plus strand): 5'-TCCGACTTGAGGTGCATCTGGCACATGCGCCCCAGCTCCCGGAAGGCCTCGTTAATATCC[C>T]GCACGCGCACCCGCTCCCGCGCGTTATTGGCCATGCGCCTCTCCCGGTCCCTCAGGTCTT-3'
Protein context (NP_001129611.1, residues 550-570): ANNARERVRV[Arg560Gln]DINEAFRELG